The following is an entry in ClinVar:

NM_001170629.2(CHD8):c.7533G>C (p.Leu2511Phe)

Gene: CHD8 (chromodomain helicase DNA binding protein 8; minus strand). Cytogenetic location: 14q11.2.
Variant type: single nucleotide variant.
Coding change: c.7533G>C on transcript NM_001170629.2 (MANE Select); coding-DNA position 7533, G replaced by C.
Protein change: p.Leu2511Phe; replaces leucine 2511 with phenylalanine.
Molecular consequence: missense variant.
Genome position (GRCh38, 1-based): chr14:21,385,826, C>G on the plus strand (G>C on the coding strand, the complement: CHD8 is on the minus strand). VCF-style: chr14-21385826-C-G. GRCh37 (hg19) VCF-style: chr14-21853985-C-G.
Other names: c.6696G>C, p.Leu2232Phe (NM_020920.4); short protein forms L2232F, L2511F.
Identifiers: ClinVar variation 1805752 (VCV001805752.4), dbSNP rs1012219606, ClinGen allele CA388874883.

ClinVar aggregate classification (germline): Conflicting classifications of pathogenicity. Review status: criteria provided, conflicting classifications (1 of 4 stars). 3 submissions from 3 submitters: Uncertain significance (2); Likely benign (1). Last evaluated 2024-02-07.

Conditions:
Intellectual developmental disorder with autism and macrocephaly. Also called: CHD8-Related Neurodevelopmental Disorder with Overgrowth; Autism, susceptibility to, 18. Identifiers: Orphanet 642675, MedGen C3554373, MONDO:0014017, OMIM 615032.

gnomAD v4.1: 2 of 1,502,372 alleles (0.00013%); highest among the groups gnomAD compares: African/African-American, 0.0031%; no homozygotes.

Submissions (3):

Labcorp Genetics (formerly Invitae), Labcorp
Classification: Likely benign. Last evaluated: 2024-02-07. Review status: criteria provided, single submitter. Criteria: Invitae Variant Classification Sherloc (09022015). Collection method: clinical testing. Allele origin: germline.

Blueprint Genetics
Classification: Uncertain significance. Last evaluated: 2021-11-04. Review status: criteria provided, single submitter. Criteria: ACMG Guidelines, 2015. Collection method: clinical testing. Allele origin: germline.

Victorian Clinical Genetics Services, Murdoch Childrens Research Institute
Classification: Uncertain significance for Intellectual developmental disorder with autism and macrocephaly. Last evaluated: 2020-05-21. Review status: criteria provided, single submitter. Criteria: ACMG Guidelines, 2015. Collection method: clinical testing. Allele origin: germline. Inheritance: Autosomal dominant inheritance. Affected: yes.
Comment: Based on the classification scheme VCGS_Germline_v1.1.1, this variant is classified as 3B-VUS. Following criteria are met: 0102 - Loss-of-function is a known mechanism of disease for this gene. (N) 0107 - This gene is known to be associated with autosomal dominant disease. (N) 0200 - Variant is predicted to result in a missense amino acid change from leucine to phenylalanine (exon 37). (N) 0251 - Variant is heterozygous. (N) 0302 - Variant is present in gnomAD <0.001 for a dominant condition (1 heterozygote, 0 homozygotes). (P) 0502 - Missense variant with conflicting in silico predictions and uninformative conservation. (N) 0604 - Variant is not located in an established domain, motif, hotspot or informative constraint region. (N) 0705 - No comparable variants have previous evidence for pathogenicity. (N) 0807 - Variant has not previously been reported in a clinical context. (N) 0905 - No segregation evidence has been identified for this variant. (N) 1007 - No published functional evidence has been identified for this variant. (N) 1208 - Inheritance information for this variant is not currently available. (N) Legend: (P) - Pathogenic, (N) - Neutral, (B) - Benign